The following is an entry in ClinVar:

NM_001012759.3(CTU2):c.873+10G>A

Gene: CTU2 (cytosolic thiouridylase subunit 2; plus strand). Cytogenetic location: 16q24.3.
Variant type: single nucleotide variant.
Coding change: c.873+10G>A on transcript NM_001012759.3 (MANE Select); 10 bases into the intron after coding-DNA position 873, G replaced by A.
Molecular consequence: intron variant.
Genome position (GRCh38, 1-based): chr16:88,713,457, G>A. VCF-style: chr16-88713457-G-A. GRCh37 (hg19) VCF-style: chr16-88779865-G-A.
Other names: c.873+10G>A (NM_001012759.2, NM_001012762.3); c.1086+10G>A (NM_001318507.2); c.612+10G>A (NM_001318513.2).
Identifiers: ClinVar variation 1599332 (VCV001599332.11), dbSNP rs4782320, ClinGen allele CA8230590.
Genomic context (GRCh38, chr16:88,713,457, plus strand): 5'-CTCATGACCAACCTGGCGCTGGGTCGAGGGGCCTTCCTGGCCTGGGATACGGTAGGCAGG[G>A]GCCTGGGTGTTCAGGAGGCCCATCCTCACCTTCACCCCTTCGGCCACCTTTACTGGAGAG-3'

ClinVar aggregate classification (germline): Benign. Review status: criteria provided, multiple submitters, no conflicts (2 of 4 stars). 3 submissions from 3 submitters: Benign (2). 1 of the submissions does not count toward it. Last evaluated 2026-02-01.

Conditions:
CTU2-related disorder. Also called: CTU2-related condition.

Allele frequency attached by ClinVar (database versions not stated): 1000 Genomes Project 30x 0.04294; TOPMed 0.08525; ESP Exome Variant Server 0.10509; 1000 Genomes Project 0.04273; gnomAD 0.09484 and 0.09800; gnomAD exomes 0.09763; ExAC 0.09954.
gnomAD v4.1: 197,443 of 1,569,188 alleles (13%); highest among the groups gnomAD compares: Non-Finnish European, 15%; 14,222 homozygotes.

Submissions (3):

Labcorp Genetics (formerly Invitae), Labcorp
Classification: Benign. Last evaluated: 2026-02-01. Review status: criteria provided, single submitter. Criteria: Invitae Variant Classification Sherloc (09022015). Collection method: clinical testing. Allele origin: germline.

Breakthrough Genomics
Classification: Benign. Review status: criteria provided, single submitter. Criteria: ACMG Guidelines, 2015. Collection method: not provided. Allele origin: germline. Inheritance: Autosomal recessive inheritance. Affected: yes.

PreventionGenetics, part of Exact Sciences
Classification: Benign for CTU2-related condition. Last evaluated: 2019-10-28. Review status: no assertion criteria provided. Collection method: clinical testing. Allele origin: germline. Not counted in ClinVar's aggregate classification.
Comment: This variant is classified as benign based on ACMG/AMP sequence variant interpretation guidelines (Richards et al. 2015 PMID: 25741868, with internal and published modifications).